The following is an entry in ClinVar:

ClinVar aggregate classification (germline): Uncertain significance (1 of 4 stars; one submission).

Conditions:
Progressive myoclonic epilepsy type 5. Identifiers: Orphanet 402082, MedGen C5190799.

gnomAD v4.1: 1 of 1,614,204 alleles (0.000062%); highest among the groups gnomAD compares: African/African-American, 0.0013%; no homozygotes.

Submission:

Labcorp Genetics (formerly Invitae), Labcorp
Classification: Uncertain significance for Progressive myoclonic epilepsy type 5. Last evaluated: 2025-03-23. Review status: criteria provided, single submitter. Criteria: Invitae Variant Classification Sherloc (09022015). Collection method: clinical testing. Allele origin: germline.
Comment: This sequence change replaces proline, which is neutral and non-polar, with leucine, which is neutral and non-polar, at codon 819 of the PRICKLE2 protein (p.Pro819Leu). This variant is not present in population databases (gnomAD no frequency). This variant has not been reported in the literature in individuals affected with PRICKLE2-related conditions. Invitae Evidence Modeling of protein sequence and biophysical properties (such as structural, functional, and spatial information, amino acid conservation, physicochemical variation, residue mobility, and thermodynamic stability) indicates that this missense variant is not expected to disrupt PRICKLE2 protein function with a negative predictive value of 80%. In summary, the available evidence is currently insufficient to determine the role of this variant in disease. Therefore, it has been classified as a Variant of Uncertain Significance.

NM_198859.4(PRICKLE2):c.2456C>T (p.Pro819Leu)

Genes: PRICKLE2-AS1 (PRICKLE2 antisense RNA 1; plus strand), PRICKLE2 (prickle planar cell polarity protein 2; minus strand). Cytogenetic location: 3p14.1.
Variant type: single nucleotide variant.
Coding change: c.2456C>T on transcript NM_198859.4 (MANE Select); coding-DNA position 2456, C replaced by T.
Protein change: p.Pro819Leu; replaces proline 819 with leucine.
Molecular consequence: missense variant. On other transcripts: non-coding transcript variant (1).
Genome position (GRCh38, 1-based): chr3:64,099,130, G>A on the plus strand (C>T on the coding strand, the complement: PRICKLE2 is on the minus strand). VCF-style: chr3-64099130-G-A. GRCh37 (hg19) VCF-style: chr3-64084806-G-A.
Other names: c.2456C>T, p.Pro819Leu (NM_001370528.1); short protein forms P819L.
Identifiers: ClinVar variation 4753975 (VCV004753975.1).
Genomic context (GRCh38, chr3:64,099,130, plus strand): 5'-TTGCTCTTCTGTCTTTTCCTGCTGTGCAACTGTCCTCTGCCACCTAATGTGGAAGATTTG[G>A]GGAGGCCGTAGGAGCTGTATTTGTGCAGCAGCTCATCGCTTGTGACGTATCGCAGGCGCG-3'
Protein context (NP_942559.1, residues 809-829): LLHKYSSYGL[Pro819Leu]KSSTLGGRGQ